The following is an entry in ClinVar:

ClinVar aggregate classification (germline): Uncertain significance. Review status: criteria provided, single submitter (1 of 4 stars). 2 submissions from 2 submitters: Uncertain significance (1). 1 of the submissions does not count toward it. Last evaluated 2024-06-07.

Conditions:
PLXNA1-related disorder. Also called: PLXNA1-related condition.

gnomAD v4.1: 29 of 1,613,266 alleles (0.0018%); highest among the groups gnomAD compares: East Asian, 0.0045%; no homozygotes.

Submissions (2):

Ambry Genetics
Classification: Uncertain significance. Last evaluated: 2024-06-07. Review status: criteria provided, single submitter. Criteria: Ambry Variant Classification Scheme 2023. Collection method: clinical testing. Allele origin: germline.

PreventionGenetics, part of Exact Sciences
Classification: Uncertain significance for PLXNA1-related condition. Last evaluated: 2024-04-04. Review status: no assertion criteria provided. Collection method: clinical testing. Allele origin: germline. Not counted in ClinVar's aggregate classification.
Comment: The PLXNA1 c.559G>A variant is predicted to result in the amino acid substitution p.Val187Met. To our knowledge, this variant has not been reported in the literature. This variant is reported in 0.00088% of alleles in individuals of European (Non-Finnish) descent in gnomAD. At this time, the clinical significance of this variant is uncertain due to the absence of conclusive functional and genetic evidence.

NM_032242.4(PLXNA1):c.559G>A (p.Val187Met)

Gene: PLXNA1 (plexin A1; plus strand). Cytogenetic location: 3q21.3.
Variant type: single nucleotide variant.
Coding change: c.559G>A on transcript NM_032242.4 (MANE Select); coding-DNA position 559, G replaced by A.
Protein change: p.Val187Met; replaces valine 187 with methionine.
Molecular consequence: missense variant.
Genome position (GRCh38, 1-based): chr3:126,989,152, G>A. VCF-style: chr3-126989152-G-A. GRCh37 (hg19) VCF-style: chr3-126707995-G-A.
Other names: short protein forms V187M.
Identifiers: ClinVar variation 3307898 (VCV003307898.2).
Genomic context (GRCh38, chr3:126,989,152, plus strand): 5'-GGCAGCATGGCGGGCGTGCTCATTGCCGGGCCACCGGGCCAGGGCCAGGCCAAGCTCTTC[G>A]TGGGCACACCCATCGATGGCAAGTCCGAGTACTTCCCCACACTGTCCAGCCGTCGGCTCA-3'
Protein context (NP_115618.3, residues 177-197): PPGQGQAKLF[Val187Met]GTPIDGKSEY